The following is an entry in ClinVar:

ClinVar aggregate classification (germline): Pathogenic. Review status: criteria provided, multiple submitters, no conflicts (2 of 4 stars). 3 submissions from 3 submitters: Pathogenic (3). Last evaluated 2024-10-31.

Conditions:
DONSON-related disorder. Also called: DONSON-related condition.

Allele frequency attached by ClinVar (database versions not stated): TOPMed 0.00001; ExAC 0.00002; gnomAD 0.00002 and 0.00003; gnomAD exomes 0.00002 and 0.00003; 1000 Genomes Project 30x 0.00016; 1000 Genomes Project 0.00020.
gnomAD v4.1: 48 of 1,613,976 alleles (0.003%); highest among the groups gnomAD compares: Non-Finnish European, 0.0036%; no homozygotes.

Submissions (3):

GeneDx
Classification: Pathogenic. Last evaluated: 2024-10-31. Review status: criteria provided, single submitter. Criteria: GeneDx Variant Classification Process June 2021. Collection method: clinical testing. Allele origin: germline. Affected: yes.
Comment: Nonsense variant predicted to result in protein truncation or nonsense mediated decay in a gene for which loss of function is a known mechanism of disease; This variant is associated with the following publications: (PMID: 28191891, 35298084)

PreventionGenetics, part of Exact Sciences
Classification: Pathogenic for DONSON-related condition. Last evaluated: 2023-06-30. Review status: criteria provided, single submitter. Criteria: ACMG Guidelines, 2015. Collection method: clinical testing. Allele origin: germline.
Comment: The DONSON c.877C>T variant is predicted to result in premature protein termination (p.Arg293*). This variant was reported in the compound heterozygous state with a disease-associated haplotype, in an individual with microcephalic dwarfism (Reynolds et al 2017. PubMed ID: 28191891). This variant is reported in 0.0058% of alleles in individuals of Latino descent in gnomAD. Nonsense variants in DONSON are expected to be pathogenic. This variant is interpreted as pathogenic.

Labcorp Genetics (formerly Invitae), Labcorp
Classification: Pathogenic. Last evaluated: 2022-05-07. Review status: criteria provided, single submitter. Criteria: Invitae Variant Classification Sherloc (09022015). Collection method: clinical testing. Allele origin: germline.
Comment: For these reasons, this variant has been classified as Pathogenic. This premature translational stop signal has been observed in individual(s) with clinical features of microcephaly-micromelia syndrome (PMID: 28191891). This variant is present in population databases (rs542296982, gnomAD 0.006%). This sequence change creates a premature translational stop signal (p.Arg293*) in the DONSON gene. It is expected to result in an absent or disrupted protein product. Loss-of-function variants in DONSON are known to be pathogenic (PMID: 28191891, 28630177).

Literature cited by the submitters: PubMed 28191891 (cited by Labcorp Genetics (formerly Invitae), Labcorp); PubMed 28630177 (cited by Labcorp Genetics (formerly Invitae), Labcorp).

NM_017613.4(DONSON):c.877C>T (p.Arg293Ter)

Gene: DONSON (DNA replication fork stabilization factor DONSON; minus strand). Cytogenetic location: 21q22.11.
Variant type: single nucleotide variant.
Coding change: c.877C>T on transcript NM_017613.4 (MANE Select); coding-DNA position 877, C replaced by T.
Protein change: p.Arg293Ter; replaces arginine 293 with a stop codon.
Molecular consequence: nonsense.
Genome position (GRCh38, 1-based): chr21:33,583,575, G>A on the plus strand (C>T on the coding strand, the complement: DONSON is on the minus strand). VCF-style: chr21-33583575-G-A. GRCh37 (hg19) VCF-style: chr21-34955881-G-A.
Other names: short protein forms R293*.
Identifiers: ClinVar variation 1687665 (VCV001687665.9), dbSNP rs542296982, ClinGen allele CA10010483.